The following is an entry in ClinVar:

ClinVar aggregate classification (germline): Likely pathogenic (1 of 4 stars; one submission).

Conditions:
Structural heart defects and renal anomalies syndrome (SHDRA). Identifiers: Orphanet 689822, MedGen C4479549, MONDO:0044321, OMIM 617478.

Submission:

First Genomix Gene Laboratory, Genetic Diagnostics Department
Classification: Likely pathogenic for Structural heart defects and renal anomalies syndrome. Last evaluated: 2025-09-25. Review status: criteria provided, single submitter. Criteria: ACMG Guidelines, 2015. Collection method: clinical testing. Allele origin: germline. Inheritance: Autosomal recessive inheritance. Affected: no. Observed: 1 variant allele.

NM_017799.4(TMEM260):c.446_449del (p.Asn149fs)

Gene: TMEM260 (transmembrane protein 260; plus strand). Cytogenetic location: 14q22.3.
Variant type: Deletion.
Coding change: c.446_449del on transcript NM_017799.4 (MANE Select); coding-DNA positions 446 to 449, 4 bases deleted (ACAA; older notation c.446_449delACAA).
Protein change: p.Asn149fs; shifts the reading frame from asparagine 149.
Molecular consequence: frameshift variant.
Genome position (GRCh38, 1-based): chr14:56,603,916-56,603,919, ACAA deleted; deleting any 4 consecutive bases within chr14:56,603,914-56,603,919 gives the same sequence; the c. name uses the placement nearest the transcript's 3' end. VCF-style (leftmost placement, unchanged base first): chr14-56603913-TAAAC-T. GRCh37 (hg19) VCF-style: chr14-57070631-TAAAC-T.
Other names: short protein forms N149fs.
Identifiers: ClinVar variation 4850439 (VCV004850439.1).